The following is an entry in ClinVar:

NM_001130438.3(SPTAN1):c.3460G>C (p.Ala1154Pro)

Gene: SPTAN1 (spectrin alpha, non-erythrocytic 1; plus strand). Cytogenetic location: 9q34.11.
Variant type: single nucleotide variant.
Coding change: c.3460G>C on transcript NM_001130438.3 (MANE Select); coding-DNA position 3460, G replaced by C.
Protein change: p.Ala1154Pro; replaces alanine 1154 with proline.
Molecular consequence: missense variant.
Genome position (GRCh38, 1-based): chr9:128,598,445, G>C. VCF-style: chr9-128598445-G-C. GRCh37 (hg19) VCF-style: chr9-131360724-G-C.
Other names: c.3460G>C, p.Ala1154Pro (NM_001438445.1, NM_003127.4, NM_001363759.2 and 4 more transcripts); c.3400G>C, p.Ala1134Pro (NM_001195532.2, NM_001363765.2, NM_001375314.2 and 3 more transcripts); c.3496G>C, p.Ala1166Pro (NM_001375312.2, NM_001375318.1, NM_001438440.1); short protein forms A1134P, A1154P, A1166P.
Identifiers: ClinVar variation 4881499 (VCV004881499.2).

ClinVar aggregate classification (germline): Uncertain significance (1 of 4 stars; one submission).

Submission:

Dasa
Classification: Uncertain significance. Last evaluated: 2024-11-28. Review status: criteria provided, single submitter. Criteria: DASA Assertion Criteria. Collection method: clinical testing. Allele origin: germline.
Comment: NM_001130438.3(SPTAN1):c.3460G>C (p.Ala1154Pro) is a missense variant that results in the substitution of alanine with proline. This variant is absent from population databases. The currently available literature and clinical evidence are not sufficient to establish a definitive association between this variant and the reported condition. Therefore, this variant is classified as a variant of uncertain significance.